The following is an entry in ClinVar:

ClinVar aggregate classification (germline): Pathogenic. Review status: criteria provided, multiple submitters, no conflicts (2 of 4 stars). 5 submissions from 5 submitters: Pathogenic (5). Last evaluated 2025-12-14.

Conditions:
Breast-ovarian cancer, familial, susceptibility to, 2 (BROVCA2). Also called: BRCA2 Hereditary Breast and Ovarian Cancer. Identifiers: Orphanet 145, MedGen C2675520, MONDO:0012933, OMIM 612555. Disease mechanism: loss of function.
Hereditary cancer-predisposing syndrome. Also called: Neoplastic Syndromes, Hereditary; Hereditary Cancer Syndrome; Hereditary neoplastic syndrome; Tumor predisposition. Identifiers: Orphanet 140162, MedGen C0027672, MeSH D009386, MONDO:0015356.
Hereditary breast ovarian cancer syndrome. Also called: Breast and ovarian cancer; Hereditary breast and ovarian cancer syndrome; Hereditary breast and ovarian cancer syndrome (HBOC); Hereditary breast and/or ovarian cancer syndrome; Hereditary breast and ovarian cancer; BRCA1- and BRCA2-Associated Hereditary Breast and Ovarian Cancer. Identifiers: Orphanet 145, MedGen C0677776, MeSH D061325, MONDO:0003582. Disease mechanism: loss of function.

Submissions (5):

Women's Health and Genetics/Laboratory Corporation of America, LabCorp
Classification: Pathogenic for Hereditary breast ovarian cancer syndrome. Last evaluated: 2025-12-14. Review status: criteria provided, single submitter. Criteria: LabCorp Variant Classification Summary - May 2015. Collection method: clinical testing. Allele origin: germline.
Comment: Variant summary: BRCA2 c.8350delC (p.Arg2784GlyfsX37) results in a premature termination codon, predicted to cause a truncation of the encoded protein or absence of the protein due to nonsense mediated decay, which are commonly known mechanisms for disease. The variant was absent in 251430 control chromosomes. To our knowledge, no occurrence of c.8350delC in individuals affected with BRCA2-related conditions and no experimental evidence demonstrating its impact on protein function have been reported. ClinVar contains an entry for this variant (Variation ID: 630953). Based on the evidence outlined above, the variant was classified as pathogenic.

Labcorp Genetics (formerly Invitae), Labcorp
Classification: Pathogenic for Hereditary breast ovarian cancer syndrome. Last evaluated: 2024-04-24. Review status: criteria provided, single submitter. Criteria: Invitae Variant Classification Sherloc (09022015). Collection method: clinical testing. Allele origin: germline.
Comment: This sequence change creates a premature translational stop signal (p.Arg2784Glyfs*37) in the BRCA2 gene. It is expected to result in an absent or disrupted protein product. Loss-of-function variants in BRCA2 are known to be pathogenic (PMID: 20104584). This variant is not present in population databases (gnomAD no frequency). This variant has not been reported in the literature in individuals affected with BRCA2-related conditions. ClinVar contains an entry for this variant (Variation ID: 630953). For these reasons, this variant has been classified as Pathogenic.

Ambry Genetics
Classification: Pathogenic for Hereditary cancer-predisposing syndrome. Last evaluated: 2023-05-04. Review status: criteria provided, single submitter. Criteria: Ambry Variant Classification Scheme 2023. Collection method: clinical testing. Allele origin: germline.
Comment: The c.8350delC pathogenic mutation, located in coding exon 18 of the BRCA2 gene, results from a deletion of one nucleotide at nucleotide position 8350, causing a translational frameshift with a predicted alternate stop codon (p.R2784Gfs*37). This alteration is expected to result in loss of function by premature protein truncation or nonsense-mediated mRNA decay. As such, this alteration is interpreted as a disease-causing mutation.

Color Diagnostics, LLC DBA Color Health
Classification: Pathogenic for Hereditary cancer-predisposing syndrome. Last evaluated: 2021-03-05. Review status: criteria provided, single submitter. Criteria: ACMG Guidelines, 2015. Collection method: clinical testing. Allele origin: germline.
Comment: This variant deletes 1 nucleotide in exon 19 of the BRCA2 gene, creating a frameshift and premature translation stop signal. This variant is expected to result in an absent or non-functional protein product. To our knowledge, this variant has not been reported in individuals affected with hereditary cancer in the literature. This variant has not been identified in the general population by the Genome Aggregation Database (gnomAD). Loss of BRCA2 function is a known mechanism of disease. Based on the available evidence, this variant is classified as Pathogenic.

Genesis Genomics
Classification: Pathogenic for Breast-ovarian cancer, familial, susceptibility to, 2. Review status: criteria provided, single submitter. Criteria: ACMG Guidelines, 2015. Collection method: clinical testing. Allele origin: germline. Affected: yes. Observed: 1 variant allele.

Literature cited by the submitters: PubMed 20104584 (cited by Labcorp Genetics (formerly Invitae), Labcorp).

NM_000059.4(BRCA2):c.8350del (p.Arg2784fs)

Gene: BRCA2 (BRCA2 DNA repair associated; plus strand). Cytogenetic location: 13q13.1.
Variant type: Deletion.
Coding change: c.8350del on transcript NM_000059.4 (MANE Select); coding-DNA position 8350, one base deleted (C; older notation c.8350delC).
Protein change: p.Arg2784fs; shifts the reading frame from arginine 2784.
Molecular consequence: frameshift variant.
Genome position (GRCh38, 1-based): chr13:32,370,420, C deleted. VCF-style (leftmost placement, unchanged base first): chr13-32370419-TC-T. GRCh37 (hg19) VCF-style: chr13-32944556-TC-T.
Other names: c.8350delC (NM_000059.3, NM_000059.4); short protein forms R2784fs.
Identifiers: ClinVar variation 630953 (VCV000630953.13), dbSNP rs1566248664, ClinGen allele CA913188593.